The following is an entry in ClinVar:

ClinVar aggregate classification (germline): Uncertain significance. Review status: criteria provided, multiple submitters, no conflicts (2 of 4 stars). 2 submissions from 2 submitters: Uncertain significance (2). Last evaluated 2025-06-05.

Conditions:
Hereditary cancer-predisposing syndrome. Also called: Hereditary neoplastic syndrome; Neoplastic Syndromes, Hereditary; Tumor predisposition; Hereditary Cancer Syndrome. Identifiers: Orphanet 140162, MedGen C0027672, MeSH D009386, MONDO:0015356.
Cardiovascular phenotype. Identifiers: MedGen CN230736.
Neurofibromatosis, type 1 (NF1). Also called: VON RECKLINGHAUSEN DISEASE; NEUROFIBROMATOSIS, TYPE I, SOMATIC; Peripheral type neurofibromatosis; Neurofibromatosis, type I. Identifiers: Orphanet 636, MedGen C0027831, MONDO:0018975, OMIM 162200. Disease mechanism: loss of function.

Submissions (2):

Ambry Genetics
Classification: Uncertain significance for Cardiovascular phenotype; Hereditary cancer-predisposing syndrome. Last evaluated: 2025-06-05. Review status: criteria provided, single submitter. Criteria: Ambry Variant Classification Scheme 2023. Collection method: clinical testing. Allele origin: germline.
Comment: The p.G2376E variant (also known as c.7127G>A) is located in coding exon 48 of the NF1 gene. The glycine at codon 2376 is replaced by glutamic acid, an amino acid with similar properties. This change occurs in the first base pair of coding exon 48. This amino acid position is highly conserved in available vertebrate species. In addition, this alteration is predicted to be deleterious by in silico analysis. Based on the available evidence, the clinical significance of this variant remains unclear.

Labcorp Genetics (formerly Invitae), Labcorp
Classification: Uncertain significance for Neurofibromatosis, type 1. Last evaluated: 2023-10-15. Review status: criteria provided, single submitter. Criteria: Invitae Variant Classification Sherloc (09022015). Collection method: clinical testing. Allele origin: germline.
Comment: This sequence change replaces glycine, which is neutral and non-polar, with glutamic acid, which is acidic and polar, at codon 2376 of the NF1 protein (p.Gly2376Glu). This variant is not present in population databases (gnomAD no frequency). This variant has not been reported in the literature in individuals affected with NF1-related conditions. ClinVar contains an entry for this variant (Variation ID: 1047705). An algorithm developed to predict the effect of missense changes on protein structure and function (PolyPhen-2) suggests that this variant is likely to be disruptive. In summary, the available evidence is currently insufficient to determine the role of this variant in disease. Therefore, it has been classified as a Variant of Uncertain Significance.

NM_001042492.3(NF1):c.7190G>A (p.Gly2397Glu)

Gene: NF1 (neurofibromin 1; plus strand). Cytogenetic location: 17q11.2.
Variant type: single nucleotide variant.
Coding change: c.7190G>A on transcript NM_001042492.3 (MANE Select); coding-DNA position 7190, G replaced by A.
Protein change: p.Gly2397Glu; replaces glycine 2397 with glutamic acid.
Molecular consequence: missense variant.
Genome position (GRCh38, 1-based): chr17:31,349,120, G>A. VCF-style: chr17-31349120-G-A. GRCh37 (hg19) VCF-style: chr17-29676138-G-A.
Other names: c.7127G>A, p.Gly2376Glu (NM_000267.4); short protein forms G2397E, G2376E.
Identifiers: ClinVar variation 1047705 (VCV001047705.6), dbSNP rs2070073482, ClinGen allele CA399016649.
Genomic context (GRCh38, chr17:31,349,120, plus strand): 5'-ATGCTTGTTCAAAAAATTAATTCTTACTTGTTTGTTTGTTTGTTTGTTTGTTTTTTGTAG[G>A]GTACAGGCATCCTTCACCTGCTATTGTTGCAAGAACAGTCAGAATTTTACATACACTACT-3'
Protein context (NP_001035957.1, residues 2387-2407): NFALVGHLLK[Gly2397Glu]YRHPSPAIVA